The following is an entry in ClinVar:

NM_001267550.2(TTN):c.56948C>T (p.Ala18983Val)

Genes: TTN (titin; minus strand), TTN-AS1 (TTN antisense RNA 1; plus strand). Cytogenetic location: 2q31.2.
Variant type: single nucleotide variant.
Coding change: c.56948C>T on transcript NM_001267550.2 (MANE Select); coding-DNA position 56948, C replaced by T.
Protein change: p.Ala18983Val; replaces alanine 18983 with valine.
Molecular consequence: missense variant.
Genome position (GRCh38, 1-based): chr2:178,598,762, G>A on the plus strand (C>T on the coding strand, the complement: TTN is on the minus strand). VCF-style: chr2-178598762-G-A. GRCh37 (hg19) VCF-style: chr2-179463489-G-A.
Other names: c.52025C>T, p.Ala17342Val (NM_001256850.1); c.29753C>T, p.Ala9918Val (NM_003319.4); c.49244C>T, p.Ala16415Val (NM_133378.4); c.30128C>T, p.Ala10043Val (NM_133432.3); c.30329C>T, p.Ala10110Val (NM_133437.4); short protein forms A10043V, A10110V, A16415V, A17342V, A18983V, A9918V.
Identifiers: ClinVar variation 2437566 (VCV002437566.5), dbSNP rs774502532, ClinGen allele CA1993150.

ClinVar aggregate classification (germline): Conflicting classifications of pathogenicity. Review status: criteria provided, conflicting classifications (1 of 4 stars). 3 submissions from 3 submitters: Uncertain significance (2); Likely benign (1). Last evaluated 2026-04-28.

Conditions:
TTN-related disorder. Also called: TTN-related condition; TTN-related disease; TTN-related disorders.

Allele frequency attached by ClinVar (database versions not stated): ExAC 0.00001; gnomAD exomes 0.00001; TOPMed 0.00001.
gnomAD v4.1: 18 of 1,612,848 alleles (0.0011%); highest among the groups gnomAD compares: Admixed American, 0.013%; no homozygotes.

Submissions (3):

PreventionGenetics, part of Exact Sciences
Classification: Uncertain significance for TTN-related condition. Last evaluated: 2026-04-28. Review status: criteria provided, single submitter. Criteria: ACMG Guidelines, 2015. Collection method: clinical testing. Allele origin: germline.
Comment: The TTN c.56948C>T variant is predicted to result in the amino acid substitution p.Ala18983Val. To our knowledge, this variant has not been reported in the literature. This variant is reported in 0.020% of alleles in individuals of Latino descent in gnomAD. At this time, the clinical significance of this variant is uncertain due to the absence of conclusive functional and genetic evidence.

Molecular Diagnostic Laboratory for Inherited Cardiovascular Disease, Montreal Heart Institute
Classification: Likely benign. Last evaluated: 2026-03-27. Review status: criteria provided, single submitter. Criteria: ACMG Guidelines, 2015. Collection method: clinical testing. Allele origin: germline. Affected: no.
Comment: BP1

Revvity Omics, Revvity
Classification: Uncertain significance. Last evaluated: 2019-06-26. Review status: criteria provided, single submitter. Criteria: ACMG Guidelines, 2015. Collection method: clinical testing. Allele origin: germline.